The following is an entry in ClinVar:

NM_007294.4(BRCA1):c.2746A>T (p.Asn916Tyr)

Gene: BRCA1 (BRCA1 DNA repair associated; minus strand). Cytogenetic location: 17q21.31.
Variant type: single nucleotide variant.
Coding change: c.2746A>T on transcript NM_007294.4 (MANE Select); coding-DNA position 2746, A replaced by T.
Protein change: p.Asn916Tyr; replaces asparagine 916 with tyrosine.
Molecular consequence: missense variant. On other transcripts: intron variant (137).
Genome position (GRCh38, 1-based): chr17:43,092,785, T>A on the plus strand (A>T on the coding strand, the complement: BRCA1 is on the minus strand). VCF-style: chr17-43092785-T-A. GRCh37 (hg19) VCF-style: chr17-41244802-T-A.
Other names: N916I; 2865A>T; c.2533A>T, p.Asn845Tyr (NM_001407571.1, NM_001407894.1, NM_001407915.1 and 9 more transcripts); c.2746A>T, p.Asn916Tyr (NM_001407581.1, NM_001407582.1, NM_001407583.1 and 30 more transcripts); c.2743A>T, p.Asn915Tyr (NM_001407587.1, NM_001407590.1, NM_001407591.1 and 22 more transcripts); c.2668A>T, p.Asn890Tyr (NM_001407656.1, NM_001407657.1, NM_001407658.1 and 4 more transcripts); c.2665A>T, p.Asn889Tyr (NM_001407659.1, NM_001407660.1, NM_001407661.1 and 1 more transcripts); c.2623A>T, p.Asn875Tyr (NM_001407664.1, NM_001407675.1, NM_001407676.1 and 19 more transcripts); and 43 more; short protein forms N916Y, N869Y, N620Y, N789Y, N804Y, N913Y, N788Y, N828Y.
Identifiers: ClinVar variation 91598 (VCV000091598.5), dbSNP rs398122666, ClinGen allele CA001808.

ClinVar aggregate classification (germline): Likely benign. Review status: criteria provided, single submitter (1 of 4 stars). 2 submissions from 2 submitters: Likely benign (1). 1 of the submissions does not count toward it. Last evaluated 2023-03-23.

Conditions:
Hereditary cancer-predisposing syndrome. Also called: Hereditary Cancer Syndrome; Hereditary neoplastic syndrome; Neoplastic Syndromes, Hereditary; Tumor predisposition. Identifiers: Orphanet 140162, MedGen C0027672, MeSH D009386, MONDO:0015356.
Breast-ovarian cancer, familial, susceptibility to, 1 (BROVCA1). Also called: BRCA1 Hereditary Breast and Ovarian Cancer; OVARIAN CANCER, SUSCEPTIBILITY TO. Identifiers: Orphanet 145, MedGen C2676676, MONDO:0011450, OMIM 604370. Disease mechanism: loss of function.

Submissions (2):

University of Washington Department of Laboratory Medicine, University of Washington
Classification: Likely benign for Hereditary cancer-predisposing syndrome. Last evaluated: 2023-03-23. Review status: criteria provided, single submitter. Criteria: Dines et al. (Genet Med. 2020). Collection method: curation. Allele origin: germline.
Comment: Missense variant in a coldspot region where missense variants are very unlikely to be pathogenic (PMID:31911673).

BRCA1 coldspot (exon 11 using historical exon numbering). Reclassification based on statistical prior probability

Sharing Clinical Reports Project (SCRP)
Classification: Uncertain significance for Breast-ovarian cancer, familial 1. Last evaluated: 2009-09-25. Review status: no assertion criteria provided. Collection method: clinical testing. Allele origin: germline. Not counted in ClinVar's aggregate classification.